The following is an entry in ClinVar:

ClinVar aggregate classification (germline): Benign/Likely benign. Review status: criteria provided, multiple submitters, no conflicts (2 of 4 stars). 3 submissions from 3 submitters: Benign (1); Likely benign (2). Last evaluated 2025-09-08.

Conditions:
Emery-Dreifuss muscular dystrophy 4, autosomal dominant (EDMD4). Also called: EMERY-DREIFUSS MUSCULAR DYSTROPHY 4 WITH VARIABLE FEATURES. Identifiers: Orphanet 261, MedGen C2751807, MONDO:0013071, OMIM 612998.
Autosomal recessive ataxia, Beauce type. Also called: SYNE1-Related Autosomal Recessive Cerebellar Ataxia; Spinocerebellar ataxia, autosomal recessive 8; ATAXIA, RECESSIVE, OF BEAUCE; SYNE1 Deficiency. Identifiers: Orphanet 88644, MedGen C1853116, MONDO:0012549, OMIM 610743.

Allele frequency attached by ClinVar (database versions not stated): gnomAD 0.00002 and 0.00007; TOPMed 0.00004; gnomAD exomes 0.00011 and 0.00016; ExAC 0.00019; 1000 Genomes Project 0.00040; 1000 Genomes Project 30x 0.00062.
gnomAD v4.1: 171 of 1,614,098 alleles (0.011%); highest among the groups gnomAD compares: South Asian, 0.11%; 2 homozygotes.

Submissions (3):

Labcorp Genetics (formerly Invitae), Labcorp
Classification: Likely benign for Emery-Dreifuss muscular dystrophy 4, autosomal dominant; Autosomal recessive ataxia, Beauce type. Last evaluated: 2025-09-08. Review status: criteria provided, single submitter. Criteria: Invitae Variant Classification Sherloc (09022015). Collection method: clinical testing. Allele origin: germline.

Athena Diagnostics
Classification: Benign. Last evaluated: 2024-02-23. Review status: criteria provided, single submitter. Criteria: Athena Diagnostics Criteria. Collection method: clinical testing. Allele origin: unknown.

CeGaT Center for Human Genetics Tuebingen
Classification: Likely benign. Last evaluated: 2023-01-01. Review status: criteria provided, single submitter. Criteria: CeGaT Center For Human Genetics Tuebingen Variant Classification Criteria Version 2. Collection method: clinical testing. Allele origin: germline. Affected: yes. Observed: 1 variant allele.
Comment: SYNE1: BP4, BP7

NM_182961.4(SYNE1):c.18441T>C (p.Asn6147=)

Gene: SYNE1 (spectrin repeat containing nuclear envelope protein 1; minus strand). Cytogenetic location: 6q25.2.
Variant type: single nucleotide variant.
Coding change: c.18441T>C on transcript NM_182961.4 (MANE Select); coding-DNA position 18441, T replaced by C.
Protein change: p.Asn6147=; no amino-acid change (asparagine 6147 retained).
Molecular consequence: synonymous variant.
Genome position (GRCh38, 1-based): chr6:152,278,221, A>G on the plus strand (T>C on the coding strand, the complement: SYNE1 is on the minus strand). VCF-style: chr6-152278221-A-G. GRCh37 (hg19) VCF-style: chr6-152599356-A-G.
Other names: c.18441T>C (NM_182961.2); c.18228T>C, p.Asn6076= (NM_033071.5).
Identifiers: ClinVar variation 707631 (VCV000707631.32), dbSNP rs558367406, ClinGen allele CA4054975.